The following is an entry in ClinVar:

ClinVar aggregate classification (germline): Uncertain significance (1 of 4 stars; one submission).

Conditions:
Early-infantile DEE. Also called: Early infantile epileptic encephalopathy; Early infantile epileptic encephalopathy with suppression bursts; Ohtahara syndrome. Identifiers: Orphanet 1934, MedGen C0393706, MONDO:0800491.

Submission:

Labcorp Genetics (formerly Invitae), Labcorp
Classification: Uncertain significance for Early-infantile DEE. Last evaluated: 2022-11-01. Review status: criteria provided, single submitter. Criteria: Invitae Variant Classification Sherloc (09022015). Collection method: clinical testing. Allele origin: germline.
Comment: This sequence change replaces alanine, which is neutral and non-polar, with phenylalanine, which is neutral and non-polar, at codon 892 of the SPTAN1 protein (p.Ala892Phe). Information on the frequency of this variant in the gnomAD database is not available, as this variant may be reported differently in the database. This variant has not been reported in the literature in individuals affected with SPTAN1-related conditions. Algorithms developed to predict the effect of missense changes on protein structure and function are either unavailable or do not agree on the potential impact of this missense change (SIFT: "Not Available"; PolyPhen-2: "Probably Damaging"; Align-GVGD: "Not Available"). In summary, the available evidence is currently insufficient to determine the role of this variant in disease. Therefore, it has been classified as a Variant of Uncertain Significance.

NM_001130438.3(SPTAN1):c.2674_2675delinsTT (p.Ala892Phe)

Gene: SPTAN1 (spectrin alpha, non-erythrocytic 1; plus strand). Cytogenetic location: 9q34.11.
Variant type: Indel.
Coding change: c.2674_2675delinsTT on transcript NM_001130438.3 (MANE Select); coding-DNA positions 2674 to 2675, GC replaced by TT.
Protein change: p.Ala892Phe; replaces alanine 892 with phenylalanine.
Molecular consequence: missense variant.
Genome position (GRCh38, 1-based): chr9:128,585,861-128,585,862, GC replaced by TT. VCF-style: chr9-128585861-GC-TT. GRCh37 (hg19) VCF-style: chr9-131348140-GC-TT.
Other names: c.2674_2675delinsTT, p.Ala892Phe (NM_001195532.2, NM_001363759.2, NM_001363765.2 and 5 more transcripts); c.2710_2711delinsTT, p.Ala904Phe (NM_001375312.2, NM_001375318.1); short protein forms A904F, A892F.
Identifiers: ClinVar variation 2098993 (VCV002098993.4), dbSNP rs2541240630, ClinGen allele CA2580079743.
Genomic context (GRCh38, chr9:128,585,861, plus strand): 5'-TGGGAGGCACTGAAAGCCAAAGCTTCCCAGCGTCGGCAGGACCTGGAGGACTCTCTGCAG[GC>TT]CCAGCAGTACTTTGCTGATGCTAACGAGGCTGAATCCTGGATGCGGGAGAAGGAACCCAT-3'
Protein context (NP_001123910.1, residues 882-902): RRQDLEDSLQ[Ala892Phe]QQYFADANEA